The following is an entry in ClinVar:

NM_025257.3(SLC44A4):c.1861C>T (p.Arg621Cys)

Gene: SLC44A4 (solute carrier family 44 member 4; minus strand). Cytogenetic location: 6p21.33.
Variant type: single nucleotide variant.
Coding change: c.1861C>T on transcript NM_025257.3 (MANE Select); coding-DNA position 1861, C replaced by T.
Protein change: p.Arg621Cys; replaces arginine 621 with cysteine.
Molecular consequence: missense variant.
Genome position (GRCh38, 1-based): chr6:31,864,881, G>A on the plus strand (C>T on the coding strand, the complement: SLC44A4 is on the minus strand). VCF-style: chr6-31864881-G-A. GRCh37 (hg19) VCF-style: chr6-31832658-G-A.
Other names: c.1861C>T (NM_025257.2); c.1735C>T, p.Arg579Cys (NM_001178044.2); c.1633C>T, p.Arg545Cys (NM_001178045.2); c.1861C>T, p.Arg621Cys (NM_032794.1); short protein forms R545C, R621C, R579C.
Identifiers: ClinVar variation 2147756 (VCV002147756.5), dbSNP rs752284502, ClinGen allele CA3725237.
Genomic context (GRCh38, chr6:31,864,881, plus strand): 5'-TGGGCAGCCAGTAATAGTTGAGGTGGGGGCTCTTAAAGTCTTTACCCAGCCCCGGGATGC[G>A]ACCGGAGAAAAAAAAGAAGGACAGGACCCCTGTGGAATAATTCTGGGGGTTAGTGCTGCA-3'
Protein context (NP_079533.2, residues 611-631): GVLSFFFFSG[Arg621Cys]IPGLGKDFKS

ClinVar aggregate classification (germline): Uncertain significance. Review status: criteria provided, multiple submitters, no conflicts (2 of 4 stars). 2 submissions from 2 submitters: Uncertain significance (2). Last evaluated 2025-02-26.

Allele frequency attached by ClinVar (database versions not stated): ExAC 0.00001.
gnomAD v4.1: 17 of 1,613,864 alleles (0.0011%); highest among the groups gnomAD compares: South Asian, 0.0033%; no homozygotes.

Submissions (2):

Ambry Genetics
Classification: Uncertain significance. Last evaluated: 2025-02-26. Review status: criteria provided, single submitter. Criteria: Ambry Variant Classification Scheme 2023. Collection method: clinical testing. Allele origin: germline.

Labcorp Genetics (formerly Invitae), Labcorp
Classification: Uncertain significance. Last evaluated: 2022-07-31. Review status: criteria provided, single submitter. Criteria: Invitae Variant Classification Sherloc (09022015). Collection method: clinical testing. Allele origin: germline.
Comment: Algorithms developed to predict the effect of missense changes on protein structure and function are either unavailable or do not agree on the potential impact of this missense change (SIFT: "Not Available"; PolyPhen-2: "Probably Damaging"; Align-GVGD: "Not Available"). This variant has not been reported in the literature in individuals affected with SLC44A4-related conditions. This variant is present in population databases (rs752284502, gnomAD 0.003%). This sequence change replaces arginine, which is basic and polar, with cysteine, which is neutral and slightly polar, at codon 621 of the SLC44A4 protein (p.Arg621Cys). In summary, the available evidence is currently insufficient to determine the role of this variant in disease. Therefore, it has been classified as a Variant of Uncertain Significance.